The following is an entry in ClinVar:

NM_003859.3(DPM1):c.479A>T (p.Lys160Ile)

Genes: DPM1 (dolichyl-phosphate mannosyltransferase subunit 1, catalytic; minus strand), ADNP-AS1 (ADNP antisense RNA 1; plus strand). Cytogenetic location: 20q13.13.
Variant type: single nucleotide variant.
Coding change: c.479A>T on transcript NM_003859.3 (MANE Select); coding-DNA position 479, A replaced by T.
Protein change: p.Lys160Ile; replaces lysine 160 with isoleucine.
Molecular consequence: missense variant. On other transcripts: non-coding transcript variant (1).
Genome position (GRCh38, 1-based): chr20:50,942,046, T>A on the plus strand (A>T on the coding strand, the complement: DPM1 is on the minus strand). VCF-style: chr20-50942046-T-A. GRCh37 (hg19) VCF-style: chr20-49558583-T-A.
Other names: c.479A>T, p.Lys160Ile (NM_001317034.1, NM_001317035.1, NM_001317036.1); short protein forms K160I.
Identifiers: ClinVar variation 4707761 (VCV004707761.1).

ClinVar aggregate classification (germline): Uncertain significance (1 of 4 stars; one submission).

Conditions:
Congenital disorder of glycosylation type 1E (CDG1E). Also called: CONGENITAL DISORDER OF GLYCOSYLATION, TYPE Ie; CDG Ie. Identifiers: Orphanet 79322, MedGen C1837396, MONDO:0012123, OMIM 608799.

gnomAD v4.1: 3 of 1,613,860 alleles (0.00019%); highest among the groups gnomAD compares: Non-Finnish European, 0.00025%; no homozygotes.

Submission:

Labcorp Genetics (formerly Invitae), Labcorp
Classification: Uncertain significance for Congenital disorder of glycosylation type 1E. Last evaluated: 2026-01-07. Review status: criteria provided, single submitter. Criteria: Invitae Variant Classification Sherloc (09022015). Collection method: clinical testing. Allele origin: germline.
Comment: This sequence change replaces lysine, which is basic and polar, with isoleucine, which is neutral and non-polar, at codon 160 of the DPM1 protein (p.Lys160Ile). This variant is present in population databases (no rsID available, gnomAD 0.007%). This variant has not been reported in the literature in individuals affected with DPM1-related conditions. An algorithm developed to predict the effect of missense changes on protein structure and function (PolyPhen-2) suggests that this variant is likely to be tolerated. In summary, the available evidence is currently insufficient to determine the role of this variant in disease. Therefore, it has been classified as a Variant of Uncertain Significance.